The following is an entry in ClinVar:

NM_014714.4(IFT140):c.2677G>T (p.Glu893Ter)

Gene: IFT140 (intraflagellar transport 140; minus strand). Cytogenetic location: 16p13.3.
Variant type: single nucleotide variant.
Coding change: c.2677G>T on transcript NM_014714.4 (MANE Select); coding-DNA position 2677, G replaced by T.
Protein change: p.Glu893Ter; replaces glutamic acid 893 with a stop codon.
Molecular consequence: nonsense.
Genome position (GRCh38, 1-based): chr16:1,525,978, C>A on the plus strand (G>T on the coding strand, the complement: IFT140 is on the minus strand). VCF-style: chr16-1525978-C-A. GRCh37 (hg19) VCF-style: chr16-1575979-C-A.
Other names: short protein forms E893*.
Identifiers: ClinVar variation 1069327 (VCV001069327.7), dbSNP rs372746686, ClinGen allele CA394227424.

ClinVar aggregate classification (germline): Pathogenic (1 of 4 stars; one submission).

Conditions:
Saldino-Mainzer syndrome (SRTD9). Also called: CONORENAL SYNDROME; Renal dysplasia, retinal pigmentary dystrophy, cerebellar ataxia and skeletal dysplasia; short-rib thoracic dysplasia 9 with or without polydactyly; SHORT-RIB THORACIC DYSPLASIA 9 WITHOUT POLYDACTYLY. Identifiers: Orphanet 140969, MedGen C1849437, MONDO:0009964, OMIM 266920.

gnomAD v4.1: 1 of 1,592,412 alleles (0.000063%); highest among the groups gnomAD compares: Admixed American, 0.0017%; no homozygotes.

Submission:

Labcorp Genetics (formerly Invitae), Labcorp
Classification: Pathogenic for Saldino-Mainzer syndrome. Last evaluated: 2025-04-16. Review status: criteria provided, single submitter. Criteria: Invitae Variant Classification Sherloc (09022015). Collection method: clinical testing. Allele origin: germline.
Comment: This sequence change creates a premature translational stop signal (p.Glu893*) in the IFT140 gene. It is expected to result in an absent or disrupted protein product. Loss-of-function variants in IFT140 are known to be pathogenic (PMID: 22503633, 23418020, 24009529, 26216056). The frequency data for this variant in the population databases is considered unreliable, as metrics indicate poor data quality at this position in the gnomAD database. This variant has not been reported in the literature in individuals affected with IFT140-related conditions. ClinVar contains an entry for this variant (Variation ID: 1069327). Algorithms developed to predict the effect of sequence changes on RNA splicing suggest that this variant may create or strengthen a splice site. For these reasons, this variant has been classified as Pathogenic.

Literature cited by the submitters: PubMed 22503633; PubMed 23418020; PubMed 24009529; PubMed 26216056.